The following is an entry in ClinVar:

ClinVar aggregate classification (germline): Benign/Likely benign. Review status: criteria provided, multiple submitters, no conflicts (2 of 4 stars). 3 submissions from 3 submitters: Benign (1); Likely benign (1). 1 of the submissions does not count toward it. Last evaluated 2026-01-31.

Conditions:
COL18A1-related disorder. Also called: COL18A1-related disorders; COL18A1-related condition.

Allele frequency attached by ClinVar (database versions not stated): gnomAD exomes 0.00010 and 0.00024; ESP Exome Variant Server 0.00017; ExAC 0.00021; gnomAD 0.00115 and 0.00126; 1000 Genomes Project 0.00120; TOPMed 0.00124; 1000 Genomes Project 30x 0.00141.
gnomAD v4.1: 318 of 1,542,812 alleles (0.021%); highest among the groups gnomAD compares: African/African-American, 0.37%; no homozygotes.

Submissions (3):

Labcorp Genetics (formerly Invitae), Labcorp
Classification: Benign. Last evaluated: 2026-01-31. Review status: criteria provided, single submitter. Criteria: Invitae Variant Classification Sherloc (09022015). Collection method: clinical testing. Allele origin: germline.

Blueprint Genetics
Classification: Likely benign. Last evaluated: 2024-03-01. Review status: criteria provided, single submitter. Criteria: ACMG Guidelines, 2015. Collection method: clinical testing. Allele origin: germline.

PreventionGenetics, part of Exact Sciences
Classification: Likely benign for COL18A1-related condition. Last evaluated: 2020-03-17. Review status: no assertion criteria provided. Collection method: clinical testing. Allele origin: germline. Not counted in ClinVar's aggregate classification.
Comment: This variant is classified as likely benign based on ACMG/AMP sequence variant interpretation guidelines (Richards et al. 2015 PMID: 25741868, with internal and published modifications).

NM_001379500.1(COL18A1):c.1203T>C (p.Pro401=)

Gene: COL18A1 (collagen type XVIII alpha 1 chain; plus strand). Cytogenetic location: 21q22.3.
Variant type: single nucleotide variant.
Coding change: c.1203T>C on transcript NM_001379500.1 (MANE Select); coding-DNA position 1203, T replaced by C.
Protein change: p.Pro401=; no amino-acid change (proline 401 retained).
Molecular consequence: synonymous variant.
Genome position (GRCh38, 1-based): chr21:45,477,947, T>C. VCF-style: chr21-45477947-T-C. GRCh37 (hg19) VCF-style: chr21-46897861-T-C.
Other names: c.1743T>C, p.Pro581= (NM_030582.4); c.2448T>C, p.Pro816= (NM_130444.3); c.1743T>C (NM_030582.3).
Identifiers: ClinVar variation 1617699 (VCV001617699.11), dbSNP rs375400196, ClinGen allele CA10066098.